The following is an entry in ClinVar:

ClinVar aggregate classification (germline): Pathogenic/Likely pathogenic. Review status: criteria provided, multiple submitters, no conflicts (2 of 4 stars). 2 submissions from 2 submitters: Pathogenic (1); Likely pathogenic (1). Last evaluated 2025-08-04.

Conditions:
Autosomal dominant SCN1A-related disorders.
Early-infantile DEE. Also called: Early infantile epileptic encephalopathy; Ohtahara syndrome; Early infantile epileptic encephalopathy with suppression bursts. Identifiers: Orphanet 1934, MedGen C0393706, MONDO:0800491.

Submissions (2):

Variantyx, Inc.
Classification: Likely pathogenic for Autosomal dominant SCN1A-related disorders. Last evaluated: 2025-08-04. Review status: criteria provided, single submitter. Criteria: Variantyx Assertion Criteria 2022. Collection method: clinical testing. Allele origin: germline. Inheritance: Autosomal dominant inheritance. Affected: yes.
Comment: This is a nonsynonymous variant in the SCN1A gene (OMIM: 182389). Pathogenic variants in this gene have been associated with autosomal dominant SCN1A-related disorders. This variant lies within a known hotspot for pathogenic variants or a well-established critical functional domain of the SCN1A protein (PM1). Multiple computational algorithms predict a deleterious effect for this variant (REVEL score: 0.988) (PP3). This variant is absent from control populations (PM2). Based on the current evidence, this variant is classified as likely pathogenic for autosomal dominant SCN1A-related disorders.

Labcorp Genetics (formerly Invitae), Labcorp
Classification: Pathogenic for Early-infantile DEE. Last evaluated: 2023-04-05. Review status: criteria provided, single submitter. Criteria: Invitae Variant Classification Sherloc (09022015). Collection method: clinical testing. Allele origin: germline.
Comment: For these reasons, this variant has been classified as Pathogenic. Advanced modeling of protein sequence and biophysical properties (such as structural, functional, and spatial information, amino acid conservation, physicochemical variation, residue mobility, and thermodynamic stability) performed at Invitae indicates that this missense variant is expected to disrupt SCN1A protein function. ClinVar contains an entry for this variant (Variation ID: 2113707). This missense change has been observed in individual(s) with clinical features of SCN1A-related conditions (Invitae). In at least one individual the variant was observed to be de novo. This variant is not present in population databases (gnomAD no frequency). This sequence change replaces valine, which is neutral and non-polar, with glutamic acid, which is acidic and polar, at codon 887 of the SCN1A protein (p.Val887Glu).

Literature cited by the submitters: PubMed 10486327 (cited by Variantyx, Inc.).

NM_001165963.4(SCN1A):c.2660T>A (p.Val887Glu)

Gene: SCN1A (sodium voltage-gated channel alpha subunit 1; minus strand). Cytogenetic location: 2q24.3.
Variant type: single nucleotide variant.
Coding change: c.2660T>A on transcript NM_001165963.4 (MANE Select); coding-DNA position 2660, T replaced by A.
Protein change: p.Val887Glu; replaces valine 887 with glutamic acid.
Molecular consequence: missense variant. On other transcripts: non-coding transcript variant (1).
Genome position (GRCh38, 1-based): chr2:166,038,062, A>T on the plus strand (T>A on the coding strand, the complement: SCN1A is on the minus strand). VCF-style: chr2-166038062-A-T. GRCh37 (hg19) VCF-style: chr2-166894572-A-T.
Other names: c.2576T>A, p.Val859Glu (NM_001353958.2, NM_001165964.3, NM_001353957.2); c.2573T>A, p.Val858Glu (NM_001353960.2); c.218T>A, p.Val73Glu (NM_001353961.2); c.2627T>A, p.Val876Glu (NM_006920.6, NM_001353949.2, NM_001353950.2 and 2 more transcripts); c.2660T>A, p.Val887Glu (NM_001202435.3, NM_001353948.2); c.2624T>A, p.Val875Glu (NM_001353954.2, NM_001353955.2); short protein forms V875E, V887E, V73E, V858E, V859E, V876E.
Identifiers: ClinVar variation 2113707 (VCV002113707.5), dbSNP rs2468100050, ClinGen allele CA349061648.